The following is an entry in ClinVar:

NM_006516.4(SLC2A1):c.308C>A (p.Ala103Asp)

Gene: SLC2A1 (solute carrier family 2 member 1; minus strand). Cytogenetic location: 1p34.2.
Variant type: single nucleotide variant.
Coding change: c.308C>A on transcript NM_006516.4 (MANE Select); coding-DNA position 308, C replaced by A.
Protein change: p.Ala103Asp; replaces alanine 103 with aspartic acid.
Molecular consequence: missense variant.
Genome position (GRCh38, 1-based): chr1:42,930,834, G>T on the plus strand (C>A on the coding strand, the complement: SLC2A1 is on the minus strand). VCF-style: chr1-42930834-G-T. GRCh37 (hg19) VCF-style: chr1-43396505-G-T.
Other names: c.308C>A (NM_006516.2); short protein forms A103D.
Identifiers: ClinVar variation 2040360 (VCV002040360.6), dbSNP rs1175342430, ClinGen allele CA339961314.

ClinVar aggregate classification (germline): Uncertain significance. Review status: criteria provided, multiple submitters, no conflicts (2 of 4 stars). 2 submissions from 2 submitters: Uncertain significance (2). Last evaluated 2025-08-18.

Conditions:
GLUT1 deficiency syndrome 1, autosomal recessive. Identifiers: MedGen C3149117.

Allele frequency attached by ClinVar (database versions not stated): gnomAD exomes below 0.00001; gnomAD 0.00001.
gnomAD v4.1: 2 of 1,600,678 alleles (0.00012%); highest among the groups gnomAD compares: Non-Finnish European, 0.00017%; no homozygotes.

Submissions (2):

Labcorp Genetics (formerly Invitae), Labcorp
Classification: Uncertain significance for GLUT1 deficiency syndrome 1, autosomal recessive. Last evaluated: 2025-08-18. Review status: criteria provided, single submitter. Criteria: Invitae Variant Classification Sherloc (09022015). Collection method: clinical testing. Allele origin: germline.
Comment: This sequence change replaces alanine, which is neutral and non-polar, with aspartic acid, which is acidic and polar, at codon 103 of the SLC2A1 protein (p.Ala103Asp). This variant is not present in population databases (gnomAD no frequency). This variant has not been reported in the literature in individuals affected with SLC2A1-related conditions. ClinVar contains an entry for this variant (Variation ID: 2040360). Invitae Evidence Modeling of protein sequence and biophysical properties (such as structural, functional, and spatial information, amino acid conservation, physicochemical variation, residue mobility, and thermodynamic stability) indicates that this missense variant is expected to disrupt SLC2A1 protein function with a positive predictive value of 95%. In summary, the available evidence is currently insufficient to determine the role of this variant in disease. Therefore, it has been classified as a Variant of Uncertain Significance.

GeneDx
Classification: Uncertain significance. Last evaluated: 2025-07-25. Review status: criteria provided, single submitter. Criteria: GeneDx Variant Classification Process June 2021. Collection method: clinical testing. Allele origin: germline.
Comment: Not observed at significant frequency in large population cohorts (gnomAD); In silico analysis supports that this missense variant has a deleterious effect on protein structure/function; Has not been previously published as pathogenic or benign to our knowledge